The following is an entry in ClinVar:

NM_020297.4(ABCC9):c.3912A>C (p.Glu1304Asp)

Genes: ABCC9 (ATP binding cassette subfamily C member 9; minus strand), KCNJ8-AS1 (KCNJ8 antisense RNA 1; plus strand). Cytogenetic location: 12p12.1.
Variant type: single nucleotide variant.
Coding change: c.3912A>C on transcript NM_020297.4 (MANE Select); coding-DNA position 3912, A replaced by C.
Protein change: p.Glu1304Asp; replaces glutamic acid 1304 with aspartic acid.
Molecular consequence: missense variant.
Genome position (GRCh38, 1-based): chr12:21,815,874, T>G on the plus strand (A>C on the coding strand, the complement: ABCC9 is on the minus strand). VCF-style: chr12-21815874-T-G. GRCh37 (hg19) VCF-style: chr12-21968808-T-G.
Other names: c.3912A>C, p.Glu1304Asp (NM_001377273.1, NM_005691.4); c.3045A>C, p.Glu1015Asp (NM_001377274.1); short protein forms E1015D, E1304D.
Identifiers: ClinVar variation 1310519 (VCV001310519.2), dbSNP rs2137174598, ClinGen allele CA384136297.
Genomic context (GRCh38, chr12:21,815,874, plus strand): 5'-ATTATTTTCATATCTGACACACAGATCATGTATCTTGATCTCCCCTTCTTGTGGCCAATG[T>G]TCTGGAACTTGAGAAGGATCTGGAGGATGGGATGGGGAAATAGACAGATAATAGGCAGAT-3'
Protein context (NP_064693.2, residues 1294-1314): EGTMDPSQVP[Glu1304Asp]HWPQEGEIKI

ClinVar aggregate classification (germline): Uncertain significance (1 of 4 stars; one submission).

Submission:

GeneDx
Classification: Uncertain significance. Last evaluated: 2019-08-29. Review status: criteria provided, single submitter. Criteria: GeneDx Variant Classification Process June 2021. Collection method: clinical testing. Allele origin: germline. Affected: yes.
Comment: Has not been previously published as pathogenic or benign to our knowledge; Not observed in large population cohorts (Lek et al., 2016); In silico analysis, which includes protein predictors and evolutionary conservation, supports that this variant does not alter protein structure/function